The following is an entry in ClinVar:

ClinVar aggregate classification (germline): Pathogenic. Review status: reviewed by expert panel (3 of 4 stars). 2 submissions from 2 submitters: Pathogenic (1). 1 of the submissions does not count toward it. Last evaluated 2017-12-15.

Conditions:
Breast-ovarian cancer, familial, susceptibility to, 1 (BROVCA1). Also called: OVARIAN CANCER, SUSCEPTIBILITY TO; BRCA1 Hereditary Breast and Ovarian Cancer. Identifiers: Orphanet 145, MedGen C2676676, MONDO:0011450, OMIM 604370. Disease mechanism: loss of function.
Familial cancer of breast. Also called: Hereditary breast cancer; hereditary breast carcinoma; BREAST CANCER, FAMILIAL. Identifiers: Orphanet 227535, MedGen C0346153, MONDO:0016419, OMIM 114480. Disease mechanism: loss of function.

Submissions (2):

Evidence-based Network for the Interpretation of Germline Mutant Alleles (ENIGMA)
Classification: Pathogenic for Breast-ovarian cancer, familial, susceptibility to, 1. Last evaluated: 2017-12-15. Review status: reviewed by expert panel. Criteria: ENIGMA BRCA1/2 Classification Criteria (2017-06-29). Collection method: curation. Allele origin: germline. Study: ENIGMA.
Comment: Variant allele predicted to encode a truncated non-functional protein.

ClinVar Staff, National Center for Biotechnology Information (NCBI)
No classification provided. Condition: Familial cancer of breast. Review status: no classification provided. Collection method: literature only. Allele origin: germline. Affected: yes. Not counted in ClinVar's aggregate classification.

Literature cited by the submitters: PubMed 17557253 (cited by ClinVar Staff, National Center for Biotechnology Information (NCBI)).

NM_007294.4(BRCA1):c.1846dup (p.Ser616fs)

Gene: BRCA1 (BRCA1 DNA repair associated; minus strand). Cytogenetic location: 17q21.31.
Variant type: Duplication.
Coding change: c.1846dup on transcript NM_007294.4 (MANE Select); coding-DNA position 1846, one base duplicated (T; older notation c.1846dupT).
Protein change: p.Ser616fs; shifts the reading frame from serine 616.
Molecular consequence: frameshift variant. On other transcripts: intron variant (137).
Genome position (GRCh38, 1-based): chr17:43,093,685, A duplicated on the plus strand (T on the coding strand, the reverse complement: BRCA1 is on the minus strand); the first of 2 consecutive A bases (chr17:43,093,685-43,093,686); duplicating either gives the same sequence. VCF-style (leftmost placement, unchanged base first): chr17-43093684-G-GA. GRCh37 (hg19) VCF-style: chr17-41245701-G-GA.
Other names: c.1846dupT (NM_007294.3); c.577+1059dup (NM_001408514.1, NM_001408485.1, NM_001408483.1 and 9 more transcripts); c.661+1059dup (NM_001408447.1, NM_001408433.1, NM_001408446.1 and 6 more transcripts); c.784+1059dup (NM_001408400.1, NM_001408392.1, NM_001407986.1 and 13 more transcripts); c.664+1059dup (NM_001408441.1, NM_001408437.1, NM_001408429.1 and 12 more transcripts); c.787+1059dup (NM_001407979.1, NM_001407977.1, NM_001407982.1 and 19 more transcripts); c.646+1059dup (NM_001408410.1, NM_001408458.1, NM_001408469.1 and 11 more transcripts); c.709+1059dup (NM_001408415.1, NM_001408412.1, NM_001408409.1 and 2 more transcripts); and 41 more; short protein forms S569fs, S616fs, S448fs, S489fs, S505fs, S527fs, S574fs, S575fs.
Identifiers: ClinVar variation 54370 (VCV000054370.3), dbSNP rs397508914, ClinGen allele CA327784.